The following is an entry in ClinVar:

ClinVar aggregate classification (germline): Uncertain significance (1 of 4 stars; one submission).

Submission:

GeneDx
Classification: Uncertain significance. Last evaluated: 2023-05-05. Review status: criteria provided, single submitter. Criteria: GeneDx Variant Classification Process June 2021. Collection method: clinical testing. Allele origin: germline. Affected: yes.
Comment: Not observed at significant frequency in large population cohorts (gnomAD); In silico analysis supports that this variant does not alter splicing; Has not been previously published as pathogenic or benign to our knowledge; Reported using an alternate transcript of the gene

NM_198569.3(ADGRG6):c.3575-2436G>A

Gene: ADGRG6 (adhesion G protein-coupled receptor G6; plus strand). Cytogenetic location: 6q24.2.
Variant type: single nucleotide variant.
Coding change: c.3575-2436G>A on transcript NM_198569.3 (MANE Select); 2436 bases into the intron before coding-DNA position 3575, G replaced by A.
Molecular consequence: intron variant.
Genome position (GRCh38, 1-based): chr6:142,440,901, G>A. VCF-style: chr6-142440901-G-A. GRCh37 (hg19) VCF-style: chr6-142762038-G-A.
Other names: c.3575-7G>A (NM_020455.6); c.3491-7G>A (NM_001032394.3); c.3491-2436G>A (NM_001032395.3).
Identifiers: ClinVar variation 3343269 (VCV003343269.1).